The following is an entry in ClinVar:

ClinVar aggregate classification (germline): Uncertain significance (1 of 4 stars; one submission).

Submission:

Labcorp Genetics (formerly Invitae), Labcorp
Classification: Uncertain significance. Last evaluated: 2025-04-26. Review status: criteria provided, single submitter. Criteria: Invitae Variant Classification Sherloc (09022015). Collection method: clinical testing. Allele origin: germline.
Comment: This sequence change replaces arginine, which is basic and polar, with serine, which is neutral and polar, at codon 457 of the CWC27 protein (p.Arg457Ser). This variant is not present in population databases (gnomAD no frequency). This variant has not been reported in the literature in individuals affected with CWC27-related conditions. An algorithm developed to predict the effect of missense changes on protein structure and function (PolyPhen-2) suggests that this variant is likely to be disruptive. In summary, the available evidence is currently insufficient to determine the role of this variant in disease. Therefore, it has been classified as a Variant of Uncertain Significance.

NM_005869.4(CWC27):c.1371G>T (p.Arg457Ser)

Gene: CWC27 (CWC27 spliceosome associated cyclophilin; plus strand). Cytogenetic location: 5q12.3.
Variant type: single nucleotide variant.
Coding change: c.1371G>T on transcript NM_005869.4 (MANE Select); coding-DNA position 1371, G replaced by T.
Protein change: p.Arg457Ser; replaces arginine 457 with serine.
Molecular consequence: missense variant. On other transcripts: 3 prime UTR variant (1).
Genome position (GRCh38, 1-based): chr5:65,018,273, G>T. VCF-style: chr5-65018273-G-T. GRCh37 (hg19) VCF-style: chr5-64314100-G-T.
Other names: c.*91G>T (NM_001297644.1); short protein forms R457S.
Identifiers: ClinVar variation 4718000 (VCV004718000.1).